The following is an entry in ClinVar:

NM_014795.4(ZEB2):c.*2525dup

Gene: ZEB2 (zinc finger E-box binding homeobox 2; minus strand). Cytogenetic location: 2q22.3.
Variant type: Duplication.
Coding change: c.*2525dup on transcript NM_014795.4 (MANE Select); 2525 bases downstream of the stop codon, one base duplicated (G; older notation c.*2525dupG).
Molecular consequence: 3 prime UTR variant.
Genome position (GRCh38, 1-based): chr2:144,386,926, C duplicated on the plus strand (G on the coding strand, the reverse complement: ZEB2 is on the minus strand); the first of 8 consecutive C bases (chr2:144,386,926-144,386,933); duplicating any one gives the same sequence. VCF-style (leftmost placement, unchanged base first): chr2-144386925-G-GC. GRCh37 (hg19) VCF-style: chr2-145144492-G-GC.
Other names: c.*2525dup (NM_001171653.2).
Identifiers: ClinVar variation 331256 (VCV000331256.35), dbSNP rs886054882, ClinGen allele CA10612217.

ClinVar aggregate classification (germline): Likely benign (1 of 4 stars; one submission).

Submission:

CeGaT Center for Human Genetics Tuebingen
Classification: Likely benign. Last evaluated: 2022-12-01. Review status: criteria provided, single submitter. Criteria: CeGaT Center For Human Genetics Tuebingen Variant Classification Criteria Version 2. Collection method: clinical testing. Allele origin: germline. Affected: yes. Observed: 3 variant alleles.
Comment: ZEB2: BS1